The following is an entry in ClinVar:

NM_000426.4(LAMA2):c.946G>A (p.Asp316Asn)

Gene: LAMA2 (laminin subunit alpha 2; plus strand). Cytogenetic location: 6q22.33.
Variant type: single nucleotide variant.
Coding change: c.946G>A on transcript NM_000426.4 (MANE Select); coding-DNA position 946, G replaced by A.
Protein change: p.Asp316Asn; replaces aspartic acid 316 with asparagine.
Molecular consequence: missense variant.
Genome position (GRCh38, 1-based): chr6:129,149,015, G>A. VCF-style: chr6-129149015-G-A. GRCh37 (hg19) VCF-style: chr6-129470160-G-A.
Other names: p.Asp316Asn; c.946G>A, p.Asp316Asn (NM_001079823.2); short protein forms D316N.
Identifiers: ClinVar variation 450302 (VCV000450302.22), dbSNP rs141340479, ClinGen allele CA3992484.

ClinVar aggregate classification (germline): Conflicting classifications of pathogenicity. Review status: criteria provided, conflicting classifications (1 of 4 stars). 7 submissions from 7 submitters: Uncertain significance (5); Likely benign (2). Last evaluated 2026-01-28.

Conditions:
LAMA2-related disorder. Also called: LAMA2-related condition; LAMA2-related disorders.
Muscular dystrophy, limb-girdle, autosomal recessive 23. Identifiers: Orphanet 565837, MedGen C4748327, MONDO:0029136, OMIM 618138.
Merosin deficient congenital muscular dystrophy (MDC1A). Also called: Congenital merosin-deficient muscular dystrophy 1A; Congenital Muscular Dystrophy Type 1A (MDC1A). Identifiers: Orphanet 258, MedGen C1263858, MONDO:0011925, OMIM 607855.
LAMA2-related muscular dystrophy (LAMA2-RD). Also called: Laminin alpha 2-related dystrophy. Identifiers: MedGen C5679788, MONDO:0100228.
Congenital muscular dystrophy due to partial LAMA2 deficiency. Identifiers: MedGen C1842898.

Allele frequency attached by ClinVar (database versions not stated): gnomAD exomes 0.00016; ExAC 0.00021; 1000 Genomes Project 0.00060; 1000 Genomes Project 30x 0.00062; gnomAD 0.00067; TOPMed 0.00067; ESP Exome Variant Server 0.00108.
gnomAD v4.1: 203 of 1,613,498 alleles (0.013%); highest among the groups gnomAD compares: African/African-American, 0.22%; no homozygotes.

Submissions (7):

Labcorp Genetics (formerly Invitae), Labcorp
Classification: Likely benign for LAMA2-related muscular dystrophy. Last evaluated: 2026-01-28. Review status: criteria provided, single submitter. Criteria: Invitae Variant Classification Sherloc (09022015). Collection method: clinical testing. Allele origin: germline.

Mayo Clinic Laboratories, Mayo Clinic
Classification: Uncertain significance. Last evaluated: 2025-05-12. Review status: criteria provided, single submitter. Criteria: ACMG Guidelines, 2015. Collection method: clinical testing. Allele origin: germline. Observed: 2 variant alleles.
Comment: BP4

Revvity Omics, Revvity
Classification: Uncertain significance. Last evaluated: 2025-05-07. Review status: criteria provided, single submitter. Criteria: ACMG Guidelines, 2015. Collection method: clinical testing. Allele origin: germline.

PreventionGenetics, part of Exact Sciences
Classification: Likely benign for LAMA2-related condition. Last evaluated: 2024-12-26. Review status: criteria provided, single submitter. Criteria: ACMG Guidelines, 2015. Collection method: clinical testing. Allele origin: germline.
Comment: This variant is classified as likely benign based on ACMG/AMP sequence variant interpretation guidelines (Richards et al. 2015 PMID: 25741868, with internal and published modifications).

GeneDx
Classification: Uncertain significance. Last evaluated: 2023-04-18. Review status: criteria provided, single submitter. Criteria: GeneDx Variant Classification Process June 2021. Collection method: clinical testing. Allele origin: germline. Affected: yes.
Comment: In silico analysis supports that this missense variant does not alter protein structure/function; Has not been previously published as pathogenic or benign to our knowledge

Fulgent Genetics
Classification: Uncertain significance for Merosin deficient congenital muscular dystrophy; Muscular dystrophy, limb-girdle, autosomal recessive 23. Last evaluated: 2018-10-31. Review status: criteria provided, single submitter. Criteria: ACMG Guidelines, 2015. Collection method: clinical testing. Allele origin: unknown.

Illumina Laboratory Services, Illumina
Classification: Uncertain significance for Congenital muscular dystrophy due to partial LAMA2 deficiency. Last evaluated: 2017-04-27. Review status: criteria provided, single submitter. Criteria: ICSL Variant Classification Criteria 13 December 2019. Collection method: clinical testing. Allele origin: germline.